The following is an entry in ClinVar:

ClinVar aggregate classification (germline): Uncertain significance (1 of 4 stars; one submission).

Conditions:
Dihydropteridine reductase deficiency (HPABH4C). Also called: DHPR DEFICIENCY; Phenylketonuria II; Hyperphenylalaninemia due to dihydropteridine reductase deficiency; Hyperphenylalaninemia, BH-4-deficient, C; Phenylketonuria type 2; BH4-Deficient Hyperphenylalaninemia C. Identifiers: Orphanet 226, Orphanet 238583, MedGen C0268465, MONDO:0009862, OMIM 261630.

gnomAD v4.1: 3 of 1,613,980 alleles (0.00019%); highest among the groups gnomAD compares: Non-Finnish European, 0.00025%; no homozygotes.

Submission:

Labcorp Genetics (formerly Invitae), Labcorp
Classification: Uncertain significance for Dihydropteridine reductase deficiency. Last evaluated: 2025-07-01. Review status: criteria provided, single submitter. Criteria: Invitae Variant Classification Sherloc (09022015). Collection method: clinical testing. Allele origin: germline.
Comment: This sequence change replaces isoleucine, which is neutral and non-polar, with valine, which is neutral and non-polar, at codon 148 of the QDPR protein (p.Ile148Val). This variant is not present in population databases (gnomAD no frequency). This variant has not been reported in the literature in individuals affected with QDPR-related conditions. An algorithm developed to predict the effect of missense changes on protein structure and function (PolyPhen-2) suggests that this variant is likely to be tolerated. In summary, the available evidence is currently insufficient to determine the role of this variant in disease. Therefore, it has been classified as a Variant of Uncertain Significance.

NM_000320.3(QDPR):c.442A>G (p.Ile148Val)

Gene: QDPR (quinoid dihydropteridine reductase; minus strand). Cytogenetic location: 4p15.32.
Variant type: single nucleotide variant.
Coding change: c.442A>G on transcript NM_000320.3 (MANE Select); coding-DNA position 442, A replaced by G.
Protein change: p.Ile148Val; replaces isoleucine 148 with valine.
Molecular consequence: missense variant.
Genome position (GRCh38, 1-based): chr4:17,492,335, T>C on the plus strand (A>G on the coding strand, the complement: QDPR is on the minus strand). VCF-style: chr4-17492335-T-C. GRCh37 (hg19) VCF-style: chr4-17493958-T-C.
Other names: c.349A>G, p.Ile117Val (NM_001306140.2); short protein forms I117V, I148V.
Identifiers: ClinVar variation 4706299 (VCV004706299.1).